The following is an entry in ClinVar:

ClinVar aggregate classification (germline): Benign/Likely benign. Review status: criteria provided, multiple submitters, no conflicts (2 of 4 stars). 3 submissions from 3 submitters: Benign (1); Likely benign (2). Last evaluated 2026-04-27.

Conditions:
Colorectal cancer, susceptibility to, 1. Also called: COLORECTAL ADENOMA AND CANCER, SUSCEPTIBILITY TO; COLORECTAL CANCER, SUSCEPTIBILITY TO, ON CHROMOSOME 9. Identifiers: MedGen C1837315, MONDO:0012132, OMIM 608812.

Allele frequency attached by ClinVar (database versions not stated): gnomAD exomes 0.00002; TOPMed 0.00002; ExAC 0.00001; gnomAD 0.00002.
gnomAD v4.1: 9 of 1,614,086 alleles (0.00056%); highest among the groups gnomAD compares: Admixed American, 0.0067%; no homozygotes.

Submissions (3):

Myriad Genetics, Inc.
Classification: Benign for Colorectal cancer, susceptibility to, 1. Last evaluated: 2026-04-27. Review status: criteria provided, single submitter. Criteria: Myriad Autosomal Dominant, Autosomal Recessive and X-Linked Classification Criteria (2023). Collection method: clinical testing. Allele origin: unknown.
Comment: This variant is considered benign. This variant is a silent/synonymous amino acid change and it is not expected to impact splicing.

Labcorp Genetics (formerly Invitae), Labcorp
Classification: Likely benign. Last evaluated: 2025-06-03. Review status: criteria provided, single submitter. Criteria: Invitae Variant Classification Sherloc (09022015). Collection method: clinical testing. Allele origin: germline.

Ambry Genetics
Classification: Likely benign. Last evaluated: 2017-12-14. Review status: criteria provided, single submitter. Criteria: Ambry Variant Classification Scheme 2023. Collection method: clinical testing. Allele origin: germline.

NM_024642.5(GALNT12):c.1653G>A (p.Ala551=)

Gene: GALNT12 (polypeptide N-acetylgalactosaminyltransferase 12; plus strand). Cytogenetic location: 9q22.33.
Variant type: single nucleotide variant.
Coding change: c.1653G>A on transcript NM_024642.5 (MANE Select); coding-DNA position 1653, G replaced by A.
Protein change: p.Ala551=; no amino-acid change (alanine 551 retained).
Molecular consequence: synonymous variant.
Genome position (GRCh38, 1-based): chr9:98,848,999, G>A. VCF-style: chr9-98848999-G-A. GRCh37 (hg19) VCF-style: chr9-101611281-G-A.
Identifiers: ClinVar variation 772086 (VCV000772086.14), dbSNP rs776668170, ClinGen allele CA5154337.
Genomic context (GRCh38, chr9:98,848,999, plus strand): 5'-TTATCTTTTGTAGGATGGATCTTTATTTCACGAACAGTCCAAGAAATGTGTCCAGGCTGC[G>A]AGGAAGGAGTCGAGTGACAGTTTCGTTCCACTCTTACGAGACTGCACCAACTCGGATCAT-3'
Protein context (NP_078918.3, residues 541-561): HEQSKKCVQA[Ala551=]RKESSDSFVP